The following is an entry in ClinVar:

ClinVar aggregate classification (germline): Uncertain significance. Review status: criteria provided, multiple submitters, no conflicts (2 of 4 stars). 2 submissions from 2 submitters: Uncertain significance (2). Last evaluated 2025-10-07.

Conditions:
Cerebral arteriopathy, autosomal dominant, with subcortical infarcts and leukoencephalopathy, type 1 (CADASIL1). Also called: DEMENTIA, HEREDITARY MULTIINFARCT TYPE; CADASIL 1; CASIL; Cerebral arteriopathy with subcortical infarcts and leukoencephalopathy 1. Identifiers: Orphanet 136, MedGen C4551768, MONDO:0000914, OMIM 125310.

Allele frequency attached by ClinVar (database versions not stated): gnomAD exomes 0.00002 and 0.00004; ExAC 0.00002; TOPMed 0.00003; gnomAD 0.00005.
gnomAD v4.1: 65 of 1,613,594 alleles (0.004%); highest among the groups gnomAD compares: Non-Finnish European, 0.0049%; no homozygotes.

Submissions (2):

Athena Diagnostics
Classification: Uncertain significance. Last evaluated: 2025-10-07. Review status: criteria provided, single submitter. Criteria: Athena Diagnostics Criteria. Collection method: clinical testing. Allele origin: unknown.
Comment: Available data are insufficient to determine the clinical significance of the variant at this time. The frequency of this variant in the general population is uninformative in assessment of its pathogenicity. This variant has been seen where an alternate explanation for disease was also identified, suggesting this variant may not cause disease. Polyphen and MutationTaster predict this amino acid change may be benign.

Illumina Laboratory Services, Illumina
Classification: Uncertain significance for Cerebral arteriopathy, autosomal dominant, with subcortical infarcts and leukoencephalopathy, type 1. Last evaluated: 2017-04-28. Review status: criteria provided, single submitter. Criteria: ICSL Variant Classification Criteria 13 December 2019. Collection method: clinical testing. Allele origin: germline.

Literature cited by the submitters: PubMed 28003435 (cited by Athena Diagnostics).

NM_000435.3(NOTCH3):c.1631G>A (p.Arg544His)

Gene: NOTCH3 (notch receptor 3; minus strand). Cytogenetic location: 19p13.12.
Variant type: single nucleotide variant.
Coding change: c.1631G>A on transcript NM_000435.3 (MANE Select); coding-DNA position 1631, G replaced by A.
Protein change: p.Arg544His; replaces arginine 544 with histidine.
Molecular consequence: missense variant.
Genome position (GRCh38, 1-based): chr19:15,187,314, C>T on the plus strand (G>A on the coding strand, the complement: NOTCH3 is on the minus strand). VCF-style: chr19-15187314-C-T. GRCh37 (hg19) VCF-style: chr19-15298125-C-T.
Other names: short protein forms R544H.
Identifiers: ClinVar variation 804622 (VCV000804622.6), dbSNP rs751284168, ClinGen allele CA9263594.